The following is an entry in ClinVar:

ClinVar aggregate classification (germline): Uncertain significance (1 of 4 stars; one submission).

Submission:

GeneDx
Classification: Uncertain significance. Last evaluated: 2024-02-28. Review status: criteria provided, single submitter. Criteria: GeneDx Variant Classification Process June 2021. Collection method: clinical testing. Allele origin: germline. Affected: yes.
Comment: Not observed at significant frequency in large population cohorts (gnomAD); In silico analysis supports that this missense variant has a deleterious effect on protein structure/function; Has not been previously published as pathogenic or benign to our knowledge

NM_001375524.1(TRRAP):c.10501C>T (p.Pro3501Ser)

Gene: TRRAP (transformation/transcription domain associated protein; plus strand). Cytogenetic location: 7q22.1.
Variant type: single nucleotide variant.
Coding change: c.10501C>T on transcript NM_001375524.1 (MANE Select); coding-DNA position 10501, C replaced by T.
Protein change: p.Pro3501Ser; replaces proline 3501 with serine.
Molecular consequence: missense variant.
Genome position (GRCh38, 1-based): chr7:99,004,381, C>T. VCF-style: chr7-99004381-C-T. GRCh37 (hg19) VCF-style: chr7-98602004-C-T.
Other names: c.10459C>T, p.Pro3487Ser (NM_001244580.2); c.10372C>T, p.Pro3458Ser (NM_003496.4); short protein forms P3458S, P3487S, P3501S.
Identifiers: ClinVar variation 3373500 (VCV003373500.1).